The following is an entry in ClinVar:

NM_021926.4(ALX4):c.*3166C>T

Gene: ALX4 (ALX homeobox 4; minus strand). Cytogenetic location: 11p11.2.
Variant type: single nucleotide variant.
Coding change: c.*3166C>T on transcript NM_021926.4 (MANE Select); 3166 bases downstream of the stop codon, C replaced by T.
Molecular consequence: 3 prime UTR variant.
Genome position (GRCh38, 1-based): chr11:44,261,688, G>A on the plus strand (C>T on the coding strand, the complement: ALX4 is on the minus strand). VCF-style: chr11-44261688-G-A. GRCh37 (hg19) VCF-style: chr11-44283238-G-A.
Other names: c.*3166C>T (LRG_1256t1).
Identifiers: ClinVar variation 304621 (VCV000304621.6), dbSNP rs7116335, ClinGen allele CA10638510.

ClinVar aggregate classification (germline): Benign. Review status: criteria provided, multiple submitters, no conflicts (2 of 4 stars). 2 submissions from 2 submitters: Benign (2). Last evaluated 2018-01-12.

Conditions:
Parietal foramina 2 (PFM2). Identifiers: Orphanet 60015, MedGen C1865044, MONDO:0012309, OMIM 609597.

Allele frequency attached by ClinVar (database versions not stated): gnomAD 0.23498 and 0.24142; TOPMed 0.24307; gnomAD exomes 0.28571; 1000 Genomes Project 30x 0.28982; 1000 Genomes Project 0.29353.

Submissions (2):

Illumina Laboratory Services, Illumina
Classification: Benign for Parietal foramina 2. Last evaluated: 2018-01-12. Review status: criteria provided, single submitter. Criteria: ICSL Variant Classification Criteria 13 December 2019. Collection method: clinical testing. Allele origin: germline.
Comment: This variant was observed in the ICSL laboratory as part of a predisposition screen in an ostensibly healthy population. It had not been previously curated by ICSL or reported in the Human Gene Mutation Database (HGMD: prior to June 1st, 2018), and was therefore a candidate for classification through an automated scoring system. Utilizing variant allele frequency, disease prevalence and penetrance estimates, and inheritance mode, an automated score was calculated to assess if this variant is too frequent to cause the disease. Based on the score and internal cut-off values, a variant classified as benign is not then subjected to further curation. The score for this variant resulted in a classification of benign for this disease.

Breakthrough Genomics
Classification: Benign. Review status: criteria provided, single submitter. Criteria: ACMG Guidelines, 2015. Collection method: not provided. Allele origin: germline. Inheritance: Autosomal recessive inheritance. Affected: yes.